The following is an entry in ClinVar:

ClinVar aggregate classification (germline): Uncertain significance. Review status: criteria provided, multiple submitters, no conflicts (2 of 4 stars). 2 submissions from 2 submitters: Uncertain significance (2). Last evaluated 2024-01-05.

Conditions:
Hereditary cancer-predisposing syndrome. Also called: Hereditary Cancer Syndrome; Neoplastic Syndromes, Hereditary; Tumor predisposition; Hereditary neoplastic syndrome. Identifiers: Orphanet 140162, MedGen C0027672, MeSH D009386, MONDO:0015356.
Familial cancer of breast. Also called: BREAST CANCER, FAMILIAL; Hereditary breast cancer; hereditary breast carcinoma. Identifiers: Orphanet 227535, MedGen C0346153, MONDO:0016419, OMIM 114480. Disease mechanism: loss of function.

Submissions (2):

Baylor Genetics
Classification: Uncertain significance for Familial cancer of breast. Last evaluated: 2024-01-05. Review status: criteria provided, single submitter. Criteria: ACMG Guidelines, 2015. Collection method: clinical testing. Allele origin: unknown.

Ambry Genetics
Classification: Uncertain significance for Hereditary cancer-predisposing syndrome. Last evaluated: 2021-12-13. Review status: criteria provided, single submitter. Criteria: Ambry Variant Classification Scheme 2023. Collection method: clinical testing. Allele origin: germline.
Comment: The p.T610P variant (also known as c.1828A>C), located in coding exon 5 of the PALB2 gene, results from an A to C substitution at nucleotide position 1828. The threonine at codon 610 is replaced by proline, an amino acid with highly similar properties. This amino acid position is not well conserved in available vertebrate species. In addition, this alteration is predicted to be tolerated by in silico analysis. Since supporting evidence is limited at this time, the clinical significance of this alteration remains unclear.

NM_024675.4(PALB2):c.1828A>C (p.Thr610Pro)

Gene: PALB2 (partner and localizer of BRCA2; minus strand). Cytogenetic location: 16p12.2.
Variant type: single nucleotide variant.
Coding change: c.1828A>C on transcript NM_024675.4 (MANE Select); coding-DNA position 1828, A replaced by C.
Protein change: p.Thr610Pro; replaces threonine 610 with proline.
Molecular consequence: missense variant.
Genome position (GRCh38, 1-based): chr16:23,630,326, T>G on the plus strand (A>C on the coding strand, the complement: PALB2 is on the minus strand). VCF-style: chr16-23630326-T-G. GRCh37 (hg19) VCF-style: chr16-23641647-T-G.
Other names: short protein forms T610P.
Identifiers: ClinVar variation 480255 (VCV000480255.6), dbSNP rs1555460632, ClinGen allele CA395127938.